The following is an entry in ClinVar:

ClinVar aggregate classification (germline): Likely benign. Review status: criteria provided, single submitter (1 of 4 stars). 2 submissions from 2 submitters: Likely benign (1). 1 of the submissions does not count toward it. Last evaluated 2024-10-01.

Conditions:
NCOR2-related disorder. Also called: NCOR2-related condition.

Submissions (2):

CeGaT Center for Human Genetics Tuebingen
Classification: Likely benign. Last evaluated: 2024-10-01. Review status: criteria provided, single submitter. Criteria: CeGaT Center For Human Genetics Tuebingen Variant Classification Criteria Version 2. Collection method: clinical testing. Allele origin: germline. Affected: yes. Observed: 1 variant allele.
Comment: NCOR2: BS1

PreventionGenetics, part of Exact Sciences
Classification: Benign for NCOR2-related condition. Last evaluated: 2019-02-20. Review status: no assertion criteria provided. Collection method: clinical testing. Allele origin: germline. Not counted in ClinVar's aggregate classification.
Comment: This variant is classified as benign based on ACMG/AMP sequence variant interpretation guidelines (Richards et al. 2015 PMID: 25741868, with internal and published modifications).

NM_006312.6(NCOR2):c.1496AGC[15] (p.Gln510_Pro511insGlnGlnGln)

Gene: NCOR2 (nuclear receptor corepressor 2; minus strand). Cytogenetic location: 12q24.31.
Variant type: Microsatellite.
Coding change: c.1496AGC[15] on transcript NM_006312.6 (MANE Select); 15 copies in a row of the 3-base unit AGC starting at c.1496; the reference has 12 copies in a row; three copies, 9 bases duplicated.
Protein change: p.Gln510_Pro511insGlnGlnGln.
Genome position (GRCh38, 1-based): chr12:124,402,513-124,402,521, GCTGCTGCT duplicated on the plus strand (AGCAGCAGC on the coding strand, the reverse complement: NCOR2 is on the minus strand); duplicating any 9 consecutive bases within chr12:124,402,513-124,402,549 gives the same sequence; the position shown is the placement nearest the transcript's 3' end. VCF-style (leftmost placement, unchanged base first): chr12-124402512-G-GGCTGCTGCT. GRCh37 (hg19) VCF-style: chr12-124887058-G-GGCTGCTGCT.
Other names: c.1493AGC[15], p.Gln509_Pro510insGlnGlnGln (NM_001077261.4, NM_001206654.2).
Identifiers: ClinVar variation 3037907 (VCV003037907.16), dbSNP rs35831183, ClinGen allele CA6869462.